The following is an entry in ClinVar:

ClinVar aggregate classification (germline): Likely benign. Review status: criteria provided, multiple submitters, no conflicts (2 of 4 stars). 3 submissions from 3 submitters: Likely benign (3). Last evaluated 2026-01-14.

Allele frequency attached by ClinVar (database versions not stated): TOPMed below 0.00001; gnomAD 0.00001; ExAC 0.00005.
gnomAD v4.1: 21 of 1,614,048 alleles (0.0013%); highest among the groups gnomAD compares: South Asian, 0.014%; no homozygotes.

Submissions (3):

Labcorp Genetics (formerly Invitae), Labcorp
Classification: Likely benign. Last evaluated: 2026-01-14. Review status: criteria provided, single submitter. Criteria: Invitae Variant Classification Sherloc (09022015). Collection method: clinical testing. Allele origin: germline.

CeGaT Center for Human Genetics Tuebingen
Classification: Likely benign. Last evaluated: 2024-06-01. Review status: criteria provided, single submitter. Criteria: CeGaT Center For Human Genetics Tuebingen Variant Classification Criteria Version 2. Collection method: clinical testing. Allele origin: germline. Affected: yes. Observed: 1 variant allele.
Comment: CPLANE1: BP4, BP7

Blueprint Genetics
Classification: Likely benign. Last evaluated: 2018-11-12. Review status: criteria provided, single submitter. Criteria: ACMG Guidelines, 2015. Collection method: clinical testing. Allele origin: germline.

NM_001384732.1(CPLANE1):c.6906G>A (p.Thr2302=)

Gene: CPLANE1 (ciliogenesis and planar polarity effector complex subunit 1; minus strand). Cytogenetic location: 5p13.2.
Variant type: single nucleotide variant.
Coding change: c.6906G>A on transcript NM_001384732.1 (MANE Select); coding-DNA position 6906, G replaced by A.
Protein change: p.Thr2302=; no amino-acid change (threonine 2302 retained).
Molecular consequence: synonymous variant.
Genome position (GRCh38, 1-based): chr5:37,169,118, C>T on the plus strand (G>A on the coding strand, the complement: CPLANE1 is on the minus strand). VCF-style: chr5-37169118-C-T. GRCh37 (hg19) VCF-style: chr5-37169220-C-T.
Other names: c.6906G>A, p.Thr2302= (NM_023073.4).
Identifiers: ClinVar variation 2188046 (VCV002188046.23), dbSNP rs776735722, ClinGen allele CA3238169.